The following is an entry in ClinVar:

ClinVar aggregate classification (germline): Uncertain significance (1 of 4 stars; one submission).

gnomAD v4.1: 3 of 1,209,588 alleles (0.00025%); highest among the groups gnomAD compares: Non-Finnish European, 0.00011%; no homozygotes.

Submission:

GeneDx
Classification: Uncertain significance. Last evaluated: 2025-10-02. Review status: criteria provided, single submitter. Criteria: GeneDx Variant Classification Process June 2021. Collection method: clinical testing. Allele origin: germline.
Comment: Not observed at significant frequency in large population cohorts (gnomAD); In silico analysis supports that this missense variant has a deleterious effect on protein structure/function; Has not been previously published as pathogenic or benign to our knowledge

NM_007325.5(GRIA3):c.332A>G (p.Asn111Ser)

Gene: GRIA3 (glutamate ionotropic receptor AMPA type subunit 3; plus strand). Cytogenetic location: Xq25.
Variant type: single nucleotide variant.
Coding change: c.332A>G on transcript NM_007325.5 (MANE Select); coding-DNA position 332, A replaced by G.
Protein change: p.Asn111Ser; replaces asparagine 111 with serine.
Molecular consequence: missense variant.
Genome position (GRCh38, 1-based): chrX:123,253,366, A>G. VCF-style: chrX-123253366-A-G. GRCh37 (hg19) VCF-style: chrX-122387217-A-G.
Other names: c.332A>G, p.Asn111Ser (NM_000828.5); short protein forms N111S.
Identifiers: ClinVar variation 3368212 (VCV003368212.2).